The following is an entry in ClinVar:

ClinVar aggregate classification (germline): Benign. Review status: criteria provided, multiple submitters, no conflicts (2 of 4 stars). 6 submissions from 6 submitters: Benign (5). 1 of the submissions does not count toward it. Last evaluated 2026-02-03.

Conditions:
Growth and developmental delay-hypotonia-vision impairment-lactic acidosis syndrome. Also called: Combined oxidative phosphorylation deficiency 18. Identifiers: Orphanet 391348, MedGen C3810001, MONDO:0014261, OMIM 615578.

Allele frequency attached by ClinVar (database versions not stated): 1000 Genomes Project 30x 0.26577; 1000 Genomes Project 0.26637; TOPMed 0.26874; ESP Exome Variant Server 0.28425; gnomAD 0.28961 and 0.29269; gnomAD exomes 0.32512 and 0.34409; ExAC 0.32608.
gnomAD v4.1: 542,077 of 1,602,256 alleles (34%); highest among the groups gnomAD compares: South Asian, 40%; 94,530 homozygotes.

Submissions (11):

Labcorp Genetics (formerly Invitae), Labcorp
Classification: Benign. Last evaluated: 2026-02-03. Review status: criteria provided, single submitter. Criteria: Invitae Variant Classification Sherloc (09022015). Collection method: clinical testing. Allele origin: germline.

Blueprint Genetics
Classification: Benign. Last evaluated: 2024-11-27. Review status: criteria provided, single submitter. Criteria: ACMG Guidelines, 2015. Collection method: clinical testing. Allele origin: germline.

Genome-Nilou Lab
Classification: Benign for Growth and developmental delay-hypotonia-vision impairment-lactic acidosis syndrome. Last evaluated: 2021-07-15. Review status: criteria provided, single submitter. Criteria: ACMG Guidelines, 2015. Collection method: clinical testing. Allele origin: germline. Affected: no.

GeneDx
Classification: Benign. Last evaluated: 2016-01-21. Review status: criteria provided, single submitter. Criteria: GeneDx Variant Classification (06012015). Collection method: clinical testing. Allele origin: germline. Affected: yes.
Comment: This variant is considered likely benign or benign based on one or more of the following criteria: it is a conservative change, it occurs at a poorly conserved position in the protein, it is predicted to be benign by multiple in silico algorithms, and/or has population frequency not consistent with disease.

Breakthrough Genomics
Classification: Benign. Review status: criteria provided, single submitter. Criteria: ACMG Guidelines, 2015. Collection method: not provided. Allele origin: germline. Inheritance: Autosomal recessive inheritance. Affected: yes.

Mayo Clinic Laboratories, Mayo Clinic
Classification: Benign. Last evaluated: 2016-02-22. Review status: no assertion criteria provided. Collection method: clinical testing. Allele origin: unknown. Not counted in ClinVar's aggregate classification.

Dr. Peter K. Rogan Lab, Western University
No classification provided (evidence only). Condition: Familial cancer of breast. Review status: no classification provided. Collection method: in vitro. Allele origin: not applicable. Functional consequence: skipped exon. Not counted in ClinVar's aggregate classification.

Dr. Peter K. Rogan Lab, Western University
No classification provided (evidence only). Condition: Malignant lymphoma, large B-cell, diffuse. Review status: no classification provided. Collection method: in vitro. Allele origin: not applicable. Functional consequence: retained intron. Not counted in ClinVar's aggregate classification.

Dr. Peter K. Rogan Lab, Western University
No classification provided (evidence only). Condition: Malignant lymphoma, large B-cell, diffuse. Review status: no classification provided. Collection method: in vitro. Allele origin: not applicable. Functional consequence: retained intron. Not counted in ClinVar's aggregate classification.

Dr. Peter K. Rogan Lab, Western University
No classification provided (evidence only). Condition: Malignant lymphoma, large B-cell, diffuse. Review status: no classification provided. Collection method: in vitro. Allele origin: not applicable. Functional consequence: retained intron. Not counted in ClinVar's aggregate classification.

Dr. Peter K. Rogan Lab, Western University
No classification provided (evidence only). Condition: Malignant lymphoma, large B-cell, diffuse. Review status: no classification provided. Collection method: in vitro. Allele origin: not applicable. Functional consequence: retained intron. Not counted in ClinVar's aggregate classification.

NM_213649.2(SFXN4):c.617-3C>T

Gene: SFXN4 (sideroflexin 4; minus strand). Cytogenetic location: 10q26.11.
Variant type: single nucleotide variant.
Coding change: c.617-3C>T on transcript NM_213649.2 (MANE Select); 3 bases into the intron before coding-DNA position 617, C replaced by T.
Molecular consequence: intron variant.
Genome position (GRCh38, 1-based): chr10:119,155,180, G>A on the plus strand (C>T on the coding strand, the complement: SFXN4 is on the minus strand). VCF-style: chr10-119155180-G-A. GRCh37 (hg19) VCF-style: chr10-120914692-G-A.
Identifiers: ClinVar variation 380008 (VCV000380008.17), dbSNP rs17668734, ClinGen allele CA5714444.